The following is an entry in ClinVar:

ClinVar aggregate classification (germline): Benign. Review status: criteria provided, multiple submitters, no conflicts (2 of 4 stars). 5 submissions from 5 submitters: Benign (5). Last evaluated 2026-02-04.

Allele frequency attached by ClinVar (database versions not stated): 1000 Genomes Project 30x 0.03592; 1000 Genomes Project 0.03594; TOPMed 0.06250; gnomAD 0.06259; ExAC 0.06813; ESP Exome Variant Server 0.07232.
gnomAD v4.1: 132,280 of 1,534,330 alleles (8.6%); highest among the groups gnomAD compares: Non-Finnish European, 10%; 6,325 homozygotes.

Submissions (5):

Labcorp Genetics (formerly Invitae), Labcorp
Classification: Benign. Last evaluated: 2026-02-04. Review status: criteria provided, single submitter. Criteria: Invitae Variant Classification Sherloc (09022015). Collection method: clinical testing. Allele origin: germline.

Mayo Clinic Laboratories, Mayo Clinic
Classification: Benign. Last evaluated: 2022-09-06. Review status: criteria provided, single submitter. Criteria: ACMG Guidelines, 2015. Collection method: clinical testing. Allele origin: germline. Observed: 16 variant alleles.

GeneDx
Classification: Benign. Last evaluated: 2020-01-24. Review status: criteria provided, single submitter. Criteria: GeneDx Variant Classification Process June 2021. Collection method: clinical testing. Allele origin: germline. Affected: yes.

Laboratory for Molecular Medicine, Mass General Brigham Personalized Medicine
Classification: Benign. Last evaluated: 2016-03-29. Review status: criteria provided, single submitter. Criteria: LMM Criteria. Collection method: clinical testing. Allele origin: germline.
Comment: Variant identified in a genome or exome case(s) and assessed due to predicted null impact of the variant or pathogenic assertions in the literature or databases. Disclaimer: This variant has not undergone full assessment. The following are preliminary notes: Frequency

Breakthrough Genomics
Classification: Benign. Review status: criteria provided, single submitter. Criteria: ACMG Guidelines, 2015. Collection method: not provided. Allele origin: germline. Inheritance: Autosomal recessive inheritance. Affected: yes.

NM_012079.6(DGAT1):c.743C>A (p.Thr248Asn)

Gene: DGAT1 (diacylglycerol O-acyltransferase 1; minus strand). Cytogenetic location: 8q24.3.
Variant type: single nucleotide variant.
Coding change: c.743C>A on transcript NM_012079.6 (MANE Select); coding-DNA position 743, C replaced by A.
Protein change: p.Thr248Asn; replaces threonine 248 with asparagine.
Molecular consequence: missense variant.
Genome position (GRCh38, 1-based): chr8:144,318,103, G>T on the plus strand (C>A on the coding strand, the complement: DGAT1 is on the minus strand). VCF-style: chr8-144318103-G-T. GRCh37 (hg19) VCF-style: chr8-145541766-G-T.
Other names: short protein forms T248N.
Identifiers: ClinVar variation 402587 (VCV000402587.15), dbSNP rs55962377, ClinGen allele CA4936878.